The following is an entry in ClinVar:

NM_002691.4(POLD1):c.1314C>T (p.Ser438=)

Gene: POLD1 (DNA polymerase delta 1, catalytic subunit; plus strand). Cytogenetic location: 19q13.33.
Variant type: single nucleotide variant.
Coding change: c.1314C>T on transcript NM_002691.4 (MANE Select); coding-DNA position 1314, C replaced by T.
Protein change: p.Ser438=; no amino-acid change (serine 438 retained).
Molecular consequence: synonymous variant. On other transcripts: non-coding transcript variant (1).
Genome position (GRCh38, 1-based): chr19:50,406,253, C>T. VCF-style: chr19-50406253-C-T. GRCh37 (hg19) VCF-style: chr19-50909510-C-T.
Other names: c.1314C>T, p.Ser438= (NM_001256849.1, NM_001308632.1).
Identifiers: ClinVar variation 3904142 (VCV003904142.1).

ClinVar aggregate classification (germline): Benign (1 of 4 stars; one submission).

Conditions:
POLD1-related polyposis and colorectal cancer syndrome (CRCS10). Also called: Colorectal cancer 10; COLORECTAL CANCER, SUSCEPTIBILITY TO, ON CHROMOSOME 19q; Colorectal cancer, susceptibility to, 10. Identifiers: Orphanet 220460, MedGen C2675481, MONDO:0012953, OMIM 612591.

Submission:

Myriad Genetics, Inc.
Classification: Benign for POLD1-related polyposis and colorectal cancer syndrome. Last evaluated: 2025-02-06. Review status: criteria provided, single submitter. Criteria: Myriad Autosomal Dominant, Autosomal Recessive and X-Linked Classification Criteria (2023). Collection method: clinical testing. Allele origin: unknown.
Comment: This variant is considered benign. This variant is a silent/synonymous amino acid change and it is not expected to impact splicing.